The following is an entry in ClinVar:

NM_018249.6(CDK5RAP2):c.1727+6C>G

Gene: CDK5RAP2 (CDK5 regulatory subunit associated protein 2; minus strand). Cytogenetic location: 9q33.2.
Variant type: single nucleotide variant.
Coding change: c.1727+6C>G on transcript NM_018249.6 (MANE Select); 6 bases into the intron after coding-DNA position 1727, C replaced by G.
Molecular consequence: intron variant.
Genome position (GRCh38, 1-based): chr9:120,477,344, G>C on the plus strand (C>G on the coding strand, the complement: CDK5RAP2 is on the minus strand). VCF-style: chr9-120477344-G-C. GRCh37 (hg19) VCF-style: chr9-123239622-G-C.
Other names: c.1727+6C>G (NM_001272039.2, NM_001011649.3).
Identifiers: ClinVar variation 2081515 (VCV002081515.2), dbSNP rs113502442, ClinGen allele CA5214305.

ClinVar aggregate classification (germline): Uncertain significance. Review status: criteria provided, multiple submitters, no conflicts (2 of 4 stars). 2 submissions from 2 submitters: Uncertain significance (2). Last evaluated 2022-06-22.

Conditions:
Inborn genetic diseases. Identifiers: MedGen C0950123, MeSH D030342.

Allele frequency attached by ClinVar (database versions not stated): ESP Exome Variant Server 0.00062.
gnomAD v4.1: 122 of 1,606,608 alleles (0.0076%); highest among the groups gnomAD compares: African/African-American, 0.11%; no homozygotes.

Submissions (2):

Labcorp Genetics (formerly Invitae), Labcorp
Classification: Uncertain significance. Last evaluated: 2022-06-22. Review status: criteria provided, single submitter. Criteria: Invitae Variant Classification Sherloc (09022015). Collection method: clinical testing. Allele origin: germline.
Comment: This sequence change falls in intron 15 of the CDK5RAP2 gene. It does not directly change the encoded amino acid sequence of the CDK5RAP2 protein. It affects a nucleotide within the consensus splice site. This variant is present in population databases (rs113502442, gnomAD 0.1%). This variant has not been reported in the literature in individuals affected with CDK5RAP2-related conditions. Variants that disrupt the consensus splice site are a relatively common cause of aberrant splicing (PMID: 17576681, 9536098). Algorithms developed to predict the effect of sequence changes on RNA splicing suggest that this variant is not likely to affect RNA splicing. In summary, the available evidence is currently insufficient to determine the role of this variant in disease. Therefore, it has been classified as a Variant of Uncertain Significance.

Ambry Genetics
Classification: Uncertain significance for Inborn genetic diseases. Last evaluated: 2021-09-02. Review status: criteria provided, single submitter. Criteria: Ambry Variant Classification Scheme 2023. Collection method: clinical testing. Allele origin: germline.
Comment: The c.1727+6C>G intronic alteration consists of a C to G substitution nucleotides after coding exon 15 in the CDK5RAP2 gene. Based on insufficient or conflicting evidence, the clinical significance of this alteration remains unclear.

Literature cited by the submitters: PubMed 17576681 (cited by Labcorp Genetics (formerly Invitae), Labcorp); PubMed 9536098 (cited by Labcorp Genetics (formerly Invitae), Labcorp).